The following is an entry in ClinVar:

NM_002764.4(PRPS1):c.149G>A (p.Gly50Glu)

Gene: PRPS1 (phosphoribosyl pyrophosphate synthetase 1; plus strand). Cytogenetic location: Xq22.3.
Variant type: single nucleotide variant.
Coding change: c.149G>A on transcript NM_002764.4 (MANE Select); coding-DNA position 149, G replaced by A.
Protein change: p.Gly50Glu; replaces glycine 50 with glutamic acid.
Molecular consequence: missense variant. On other transcripts: intron variant (1).
Genome position (GRCh38, 1-based): chrX:107,639,321, G>A. VCF-style: chrX-107639321-G-A. GRCh37 (hg19) VCF-style: chrX-106882551-G-A.
Other names: c.-82-5856G>A (NM_001204402.2); short protein forms G50E.
Identifiers: ClinVar variation 1401541 (VCV001401541.6), dbSNP rs2147681403, ClinGen allele CA413804391.
Genomic context (GRCh38, chrX:107,639,321, plus strand): 5'-AATCTATTTCATGTTCTTTCTTTCCTCATTGTAGTGTGGAAATTGGTGAAAGTGTACGTG[G>A]AGAGGATGTCTACATTGTTCAGAGTGGTTGTGGCGAAATCAATGACAATTTAATGGAGCT-3'
Protein context (NP_002755.1, residues 40-60): TCVEIGESVR[Gly50Glu]EDVYIVQSGC

ClinVar aggregate classification (germline): Uncertain significance (1 of 4 stars; one submission).

Conditions:
Charcot-Marie-Tooth Neuropathy X. Identifiers: MedGen CN118851.

Submission:

Labcorp Genetics (formerly Invitae), Labcorp
Classification: Uncertain significance for Charcot-Marie-Tooth Neuropathy X. Last evaluated: 2022-06-04. Review status: criteria provided, single submitter. Criteria: Invitae Variant Classification Sherloc (09022015). Collection method: clinical testing. Allele origin: germline.
Comment: In summary, the available evidence is currently insufficient to determine the role of this variant in disease. Therefore, it has been classified as a Variant of Uncertain Significance. Algorithms developed to predict the effect of missense changes on protein structure and function are either unavailable or do not agree on the potential impact of this missense change (SIFT: "Deleterious"; PolyPhen-2: "Benign"; Align-GVGD: "Class C0"). ClinVar contains an entry for this variant (Variation ID: 1401541). This variant has not been reported in the literature in individuals affected with PRPS1-related conditions. This variant is not present in population databases (gnomAD no frequency). This sequence change replaces glycine, which is neutral and non-polar, with glutamic acid, which is acidic and polar, at codon 50 of the PRPS1 protein (p.Gly50Glu).